The following is an entry in ClinVar:

ClinVar aggregate classification (germline): Uncertain significance (1 of 4 stars; one submission).

Conditions:
Cardiovascular phenotype. Identifiers: MedGen CN230736.

gnomAD v4.1: 1 of 1,613,990 alleles (0.000062%); highest among the groups gnomAD compares: Non-Finnish European, 0.000085%; no homozygotes.

Submission:

Ambry Genetics
Classification: Uncertain significance for Cardiovascular phenotype. Last evaluated: 2024-06-28. Review status: criteria provided, single submitter. Criteria: Ambry Variant Classification Scheme 2023. Collection method: clinical testing. Allele origin: germline.
Comment: The p.W1292C variant (also known as c.3876G>T), located in coding exon 22 of the SCN10A gene, results from a G to T substitution at nucleotide position 3876. The tryptophan at codon 1292 is replaced by cysteine, an amino acid with highly dissimilar properties. This amino acid position is conserved. In addition, this alteration is predicted to be deleterious by in silico analysis. Based on the available evidence, the clinical significance of this variant remains unclear.

NM_006514.4(SCN10A):c.3876G>T (p.Trp1292Cys)

Gene: SCN10A (sodium voltage-gated channel alpha subunit 10; minus strand). Cytogenetic location: 3p22.2.
Variant type: single nucleotide variant.
Coding change: c.3876G>T on transcript NM_006514.4 (MANE Select); coding-DNA position 3876, G replaced by T.
Protein change: p.Trp1292Cys; replaces tryptophan 1292 with cysteine.
Molecular consequence: missense variant.
Genome position (GRCh38, 1-based): chr3:38,712,374, C>A on the plus strand (G>T on the coding strand, the complement: SCN10A is on the minus strand). VCF-style: chr3-38712374-C-A. GRCh37 (hg19) VCF-style: chr3-38753865-C-A.
Other names: c.3873G>T, p.Trp1291Cys (NM_001293306.2); c.3582G>T, p.Trp1194Cys (NM_001293307.2); short protein forms W1292C, W1194C, W1291C.
Identifiers: ClinVar variation 3438089 (VCV003438089.1).
Genomic context (GRCh38, chr3:38,712,374, plus strand): 5'-GTTGATGCACCTCCAAAACTTCCCTGCGAAGAGGTTCACACCCATGATGCTGAAGATGAG[C>A]CAGAAGATGAGGCAGACGAGGAGGACATTCATGATGGATGGGATGGCGCCCACCAGGGCA-3'
Protein context (NP_006505.4, residues 1282-1302): MNVLLVCLIF[Trp1292Cys]LIFSIMGVNL